The following is an entry in ClinVar:

NM_001040108.2(MLH3):c.3339_3340del (p.Arg1113fs)

Gene: MLH3 (mutL homolog 3; minus strand). Cytogenetic location: 14q24.3.
Variant type: Microsatellite.
Coding change: c.3339_3340del on transcript NM_001040108.2 (MANE Select); coding-DNA positions 3339 to 3340, 2 bases deleted (AG; older notation c.3339_3340delAG).
Protein change: p.Arg1113fs; shifts the reading frame from arginine 1113.
Molecular consequence: frameshift variant.
Genome position (GRCh38, 1-based): chr14:75,042,418-75,042,419, CT deleted on the plus strand (AG on the coding strand, the reverse complement: MLH3 is on the minus strand); deleting any 2 consecutive bases within chr14:75,042,418-75,042,422 gives the same sequence; the c. name uses the placement nearest the transcript's 3' end. VCF-style (leftmost placement, unchanged base first): chr14-75042417-GCT-G. GRCh37 (hg19) VCF-style: chr14-75509120-GCT-G.
Other names: c.3336_3337GA[1], p.Arg1113Serfs (NM_001040108.1); c.3339_3340del, p.Arg1113fs (NM_014381.3); c.3339_3340delAG (NM_001040108.1); short protein forms R1113fs.
Identifiers: ClinVar variation 1730368 (VCV001730368.3), dbSNP rs2503220394, ClinGen allele CA2580613724.

ClinVar aggregate classification (germline): Pathogenic (1 of 4 stars; one submission).

Submission:

Ambry Genetics
Classification: Pathogenic. Last evaluated: 2026-05-29. Review status: criteria provided, single submitter. Criteria: Ambry Variant Classification Scheme 2023. Collection method: clinical testing. Allele origin: germline.
Comment: The c.3339_3340delAG pathogenic mutation, located in coding exon 2 of the MLH3 gene, results from a deletion of two nucleotides at nucleotide positions 3339 to 3340, causing a translational frameshift with a predicted alternate stop codon (p.R1113Sfs*12). This variant is considered to be rare based on population cohorts in the Genome Aggregation Database (gnomAD). This alteration is expected to result in loss of function by premature protein truncation or nonsense-mediated mRNA decay. As such, this alteration is interpreted as a disease-causing mutation.